The following is an entry in ClinVar:

ClinVar aggregate classification (germline): Benign (0 of 4 stars; one submission).

Conditions:
UNC50-related disorder. Also called: UNC50-related condition.

Allele frequency attached by ClinVar (database versions not stated): gnomAD exomes 0.00960; ExAC 0.01948; gnomAD 0.02079; 1000 Genomes Project 0.14457.
gnomAD v4.1: 16,106 of 1,462,022 alleles (1.1%); highest among the groups gnomAD compares: Admixed American, 7.5%; 230 homozygotes.

Submissions (30):

PreventionGenetics, part of Exact Sciences
Classification: Benign for UNC50-related condition. Last evaluated: 2019-11-06. Review status: no assertion criteria provided. Collection method: clinical testing. Allele origin: germline.
Comment: This variant is classified as benign based on ACMG/AMP sequence variant interpretation guidelines (Richards et al. 2015 PMID: 25741868, with internal and published modifications).

Dr. Peter K. Rogan Lab, Western University
No classification provided (evidence only). Condition: Lung cancer. Review status: no classification provided. Collection method: in vitro. Allele origin: not applicable. Functional consequence: retained intron. Not counted in ClinVar's aggregate classification.

Dr. Peter K. Rogan Lab, Western University
No classification provided (evidence only). Condition: Lung cancer. Review status: no classification provided. Collection method: in vitro. Allele origin: not applicable. Functional consequence: retained intron. Not counted in ClinVar's aggregate classification.

Dr. Peter K. Rogan Lab, Western University
No classification provided (evidence only). Condition: Acute myeloid leukemia. Review status: no classification provided. Collection method: in vitro. Allele origin: not applicable. Functional consequence: retained intron. Not counted in ClinVar's aggregate classification.

Dr. Peter K. Rogan Lab, Western University
No classification provided (evidence only). Condition: Acute myeloid leukemia. Review status: no classification provided. Collection method: in vitro. Allele origin: not applicable. Functional consequence: retained intron. Not counted in ClinVar's aggregate classification.

Dr. Peter K. Rogan Lab, Western University
No classification provided (evidence only). Condition: Cervical cancer. Review status: no classification provided. Collection method: in vitro. Allele origin: not applicable. Functional consequence: retained intron. Not counted in ClinVar's aggregate classification.

Dr. Peter K. Rogan Lab, Western University
No classification provided (evidence only). Condition: Cervical cancer. Review status: no classification provided. Collection method: in vitro. Allele origin: not applicable. Functional consequence: retained intron. Not counted in ClinVar's aggregate classification.

Dr. Peter K. Rogan Lab, Western University
No classification provided (evidence only). Condition: Cervical cancer. Review status: no classification provided. Collection method: in vitro. Allele origin: not applicable. Functional consequence: retained intron. Not counted in ClinVar's aggregate classification.

Dr. Peter K. Rogan Lab, Western University
No classification provided (evidence only). Condition: Sarcoma. Review status: no classification provided. Collection method: in vitro. Allele origin: not applicable. Functional consequence: retained intron. Not counted in ClinVar's aggregate classification.

Dr. Peter K. Rogan Lab, Western University
No classification provided (evidence only). Condition: Sarcoma. Review status: no classification provided. Collection method: in vitro. Allele origin: not applicable. Functional consequence: retained intron. Not counted in ClinVar's aggregate classification.

Dr. Peter K. Rogan Lab, Western University
No classification provided (evidence only). Condition: Sarcoma. Review status: no classification provided. Collection method: in vitro. Allele origin: not applicable. Functional consequence: retained intron. Not counted in ClinVar's aggregate classification.

Dr. Peter K. Rogan Lab, Western University
No classification provided (evidence only). Condition: Malignant lymphoma, large B-cell, diffuse. Review status: no classification provided. Collection method: in vitro. Allele origin: not applicable. Functional consequence: retained intron. Not counted in ClinVar's aggregate classification.

Dr. Peter K. Rogan Lab, Western University
No classification provided (evidence only). Condition: Malignant lymphoma, large B-cell, diffuse. Review status: no classification provided. Collection method: in vitro. Allele origin: not applicable. Functional consequence: retained intron. Not counted in ClinVar's aggregate classification.

Dr. Peter K. Rogan Lab, Western University
No classification provided (evidence only). Condition: Malignant lymphoma, large B-cell, diffuse. Review status: no classification provided. Collection method: in vitro. Allele origin: not applicable. Functional consequence: retained intron. Not counted in ClinVar's aggregate classification.

Dr. Peter K. Rogan Lab, Western University
No classification provided (evidence only). Condition: Malignant lymphoma, large B-cell, diffuse. Review status: no classification provided. Collection method: in vitro. Allele origin: not applicable. Functional consequence: retained intron. Not counted in ClinVar's aggregate classification.

Dr. Peter K. Rogan Lab, Western University
No classification provided (evidence only). Condition: Malignant lymphoma, large B-cell, diffuse. Review status: no classification provided. Collection method: in vitro. Allele origin: not applicable. Functional consequence: retained intron. Not counted in ClinVar's aggregate classification.

Dr. Peter K. Rogan Lab, Western University
No classification provided (evidence only). Condition: Cholangiocarcinoma. Review status: no classification provided. Collection method: in vitro. Allele origin: not applicable. Functional consequence: retained intron. Not counted in ClinVar's aggregate classification.

Dr. Peter K. Rogan Lab, Western University
No classification provided (evidence only). Condition: Cholangiocarcinoma. Review status: no classification provided. Collection method: in vitro. Allele origin: not applicable. Functional consequence: retained intron. Not counted in ClinVar's aggregate classification.

Dr. Peter K. Rogan Lab, Western University
No classification provided (evidence only). Condition: Cholangiocarcinoma. Review status: no classification provided. Collection method: in vitro. Allele origin: not applicable. Functional consequence: retained intron. Not counted in ClinVar's aggregate classification.

Dr. Peter K. Rogan Lab, Western University
No classification provided (evidence only). Condition: Uterine carcinosarcoma. Review status: no classification provided. Collection method: in vitro. Allele origin: not applicable. Functional consequence: retained intron. Not counted in ClinVar's aggregate classification.

Dr. Peter K. Rogan Lab, Western University
No classification provided (evidence only). Condition: Malignant tumor of esophagus. Review status: no classification provided. Collection method: in vitro. Allele origin: not applicable. Functional consequence: retained intron. Not counted in ClinVar's aggregate classification.

Dr. Peter K. Rogan Lab, Western University
No classification provided (evidence only). Condition: Malignant tumor of esophagus. Review status: no classification provided. Collection method: in vitro. Allele origin: not applicable. Functional consequence: retained intron. Not counted in ClinVar's aggregate classification.

Dr. Peter K. Rogan Lab, Western University
No classification provided (evidence only). Condition: Malignant tumor of esophagus. Review status: no classification provided. Collection method: in vitro. Allele origin: not applicable. Functional consequence: retained intron. Not counted in ClinVar's aggregate classification.

Dr. Peter K. Rogan Lab, Western University
No classification provided (evidence only). Condition: Malignant tumor of esophagus. Review status: no classification provided. Collection method: in vitro. Allele origin: not applicable. Functional consequence: retained intron. Not counted in ClinVar's aggregate classification.

Dr. Peter K. Rogan Lab, Western University
No classification provided (evidence only). Condition: Malignant tumor of esophagus. Review status: no classification provided. Collection method: in vitro. Allele origin: not applicable. Functional consequence: retained intron. Not counted in ClinVar's aggregate classification.

Dr. Peter K. Rogan Lab, Western University
No classification provided (evidence only). Condition: Malignant tumor of esophagus. Review status: no classification provided. Collection method: in vitro. Allele origin: not applicable. Functional consequence: retained intron. Not counted in ClinVar's aggregate classification.

Dr. Peter K. Rogan Lab, Western University
No classification provided (evidence only). Condition: Malignant tumor of esophagus. Review status: no classification provided. Collection method: in vitro. Allele origin: not applicable. Functional consequence: retained intron. Not counted in ClinVar's aggregate classification.

Dr. Peter K. Rogan Lab, Western University
No classification provided (evidence only). Condition: Malignant tumor of esophagus. Review status: no classification provided. Collection method: in vitro. Allele origin: not applicable. Functional consequence: retained intron. Not counted in ClinVar's aggregate classification.

Dr. Peter K. Rogan Lab, Western University
No classification provided (evidence only). Condition: Malignant tumor of esophagus. Review status: no classification provided. Collection method: in vitro. Allele origin: not applicable. Functional consequence: retained intron. Not counted in ClinVar's aggregate classification.

Dr. Peter K. Rogan Lab, Western University
No classification provided (evidence only). Condition: Malignant tumor of esophagus. Review status: no classification provided. Collection method: in vitro. Allele origin: not applicable. Functional consequence: retained intron. Not counted in ClinVar's aggregate classification.

NM_014044.7(UNC50):c.644-30T>A

Gene: UNC50 (unc-50 inner nuclear membrane RNA binding protein; plus strand). Cytogenetic location: 2q11.2.
Variant type: single nucleotide variant.
Coding change: c.644-30T>A on transcript NM_014044.7 (MANE Select); 30 bases into the intron before coding-DNA position 644, T replaced by A.
Molecular consequence: intron variant.
Genome position (GRCh38, 1-based): chr2:98,618,138, T>A. VCF-style: chr2-98618138-T-A. GRCh37 (hg19) VCF-style: chr2-99234601-T-A.
Other names: NC_000002.11:g.99234601T>A; c.695-30T>A (NM_001330354.2); c.644-8T>A (NM_001330353.2).
Identifiers: ClinVar variation 3056460 (VCV003056460.3), dbSNP rs113829787, ClinGen allele CA1795375.